The following is an entry in ClinVar:

ClinVar aggregate classification (germline): Pathogenic (1 of 4 stars; one submission).

Submission:

Labcorp Genetics (formerly Invitae), Labcorp
Classification: Pathogenic. Last evaluated: 2023-02-03. Review status: criteria provided, single submitter. Criteria: Invitae Variant Classification Sherloc (09022015). Collection method: clinical testing. Allele origin: germline.
Comment: For these reasons, this variant has been classified as Pathogenic. This variant has not been reported in the literature in individuals affected with ITGB4-related conditions. This variant is not present in population databases (gnomAD no frequency). This sequence change creates a premature translational stop signal (p.Leu110Argfs*2) in the ITGB4 gene. It is expected to result in an absent or disrupted protein product. Loss-of-function variants in ITGB4 are known to be pathogenic (PMID: 11328943, 16473856).

Literature cited by the submitters: PubMed 11328943; PubMed 16473856.

NM_000213.5(ITGB4):c.329_336del (p.Leu110fs)

Gene: ITGB4 (integrin subunit beta 4; plus strand). Cytogenetic location: 17q25.1.
Variant type: Deletion.
Coding change: c.329_336del on transcript NM_000213.5 (MANE Select); coding-DNA positions 329 to 336, 8 bases deleted (TGCGGCCC; older notation c.329_336delTGCGGCCC).
Protein change: p.Leu110fs; shifts the reading frame from leucine 110.
Molecular consequence: frameshift variant.
Genome position (GRCh38, 1-based): chr17:75,727,715-75,727,722, TGCGGCCC deleted; deleting any 8 consecutive bases within chr17:75,727,714-75,727,722 gives the same sequence; the c. name uses the placement nearest the transcript's 3' end. VCF-style (leftmost placement, unchanged base first): chr17-75727713-TCTGCGGCC-T. GRCh37 (hg19) VCF-style: chr17-73723794-TCTGCGGCC-T.
Other names: c.329_336delTGCGGCCC, p.Leu110Argfs (NM_001005619.2); c.329_336del, p.Leu110fs (NM_001005731.3, NM_001321123.2); short protein forms L110fs.
Identifiers: ClinVar variation 2830742 (VCV002830742.3), dbSNP rs2545722634, ClinGen allele CA2739268382.